The following is an entry in ClinVar:

ClinVar aggregate classification (germline): Conflicting classifications of pathogenicity. Review status: criteria provided, conflicting classifications (1 of 4 stars). 3 submissions from 3 submitters: Uncertain significance (1); Likely benign (2). Last evaluated 2025-08-13.

Conditions:
Inborn genetic diseases. Identifiers: MedGen C0950123, MeSH D030342.
Koolen-de Vries syndrome (KDVS). Identifiers: Orphanet 96169, MedGen C1864871, MONDO:0012496, OMIM 610443.

Allele frequency attached by ClinVar (database versions not stated): ExAC 0.00002; gnomAD exomes 0.00002 and 0.00003; TOPMed 0.00003; gnomAD 0.00004; ESP Exome Variant Server 0.00008.
gnomAD v4.1: 56 of 1,614,118 alleles (0.0035%); highest among the groups gnomAD compares: Non-Finnish European, 0.0044%; no homozygotes.

Submissions (3):

Ambry Genetics
Classification: Likely benign for Inborn genetic diseases. Last evaluated: 2025-08-13. Review status: criteria provided, single submitter. Criteria: Ambry Variant Classification Scheme 2023. Collection method: clinical testing. Allele origin: germline.

Labcorp Genetics (formerly Invitae), Labcorp
Classification: Uncertain significance for Koolen-de Vries syndrome. Last evaluated: 2023-08-17. Review status: criteria provided, single submitter. Criteria: Invitae Variant Classification Sherloc (09022015). Collection method: clinical testing. Allele origin: germline.
Comment: The frequency data for this variant in the population databases is considered unreliable, as metrics indicate poor data quality at this position in the gnomAD database. Until the location of this sequence change can be resolved, the clinical significance of this variant remains uncertain. It has been classified as a Variant of Uncertain Significance. Advanced modeling of protein sequence and biophysical properties (such as structural, functional, and spatial information, amino acid conservation, physicochemical variation, residue mobility, and thermodynamic stability) performed at Invitae indicates that this missense variant is not expected to disrupt KANSL1 protein function. ClinVar contains an entry for this variant (Variation ID: 205764). This variant has not been reported in the literature in individuals with KANSL1-related conditions. This sequence change replaces alanine, which is neutral and non-polar, with threonine, which is neutral and polar, at codon 40 of the KANSL1 protein (p.Ala40Thr). Due to the possible presence of a polymorphic segmental duplication, the location of the variant could not be unambiguously resolved. Variants with ambiguous mapping are still reported relative to the KANSL1 transcript.

GeneDx
Classification: Likely benign. Last evaluated: 2018-05-31. Review status: criteria provided, single submitter. Criteria: GeneDx Variant Classification Process June 2021. Collection method: clinical testing. Allele origin: germline. Affected: yes.

NM_015443.4(KANSL1):c.118G>A (p.Ala40Thr)

Gene: KANSL1 (KAT8 regulatory NSL complex subunit 1). Cytogenetic location: 17q21.31.
Variant type: single nucleotide variant.
Coding change: c.118G>A on transcript NM_015443.4 (MANE Select); coding-DNA position 118, G replaced by A.
Protein change: p.Ala40Thr; replaces alanine 40 with threonine.
Molecular consequence: missense variant.
Genome position (GRCh38, 1-based): chr17:46,172,026, C>T on the plus strand (G>A on the coding strand, the complement: KANSL1 is on the minus strand). VCF-style: chr17-46172026-C-T. GRCh37 (hg19) VCF-style: chr17-44249392-C-T.
Other names: p.A40T:GCC>ACC; c.118G>A, p.Ala40Thr (NM_001193465.2, NM_001193466.2, NM_001379198.1); short protein forms A40T.
Identifiers: ClinVar variation 205764 (VCV000205764.14), dbSNP rs376632173, ClinGen allele CA315154.
Genomic context (GRCh38, chr17:46,172,026, plus strand): 5'-TGGGATCCTCTGCAGCAATGGCTTTTCTTTTGGTTCCGTTGGCAGCAATAAGGATGTTGG[C>T]GTTGCCGTTATTTTCGGCACTGCCAGGGGACAAGGTAGAGGATGGGGGAGCCAGTTTGAA-3'
Protein context (NP_056258.1, residues 30-50): SPGSAENNGN[Ala40Thr]NILIAANGTK